The following is an entry in ClinVar:

ClinVar aggregate classification (germline): Uncertain significance. Review status: criteria provided, multiple submitters, no conflicts (2 of 4 stars). 3 submissions from 3 submitters: Uncertain significance (2). 1 of the submissions does not count toward it. Last evaluated 2024-12-20.

Conditions:
FN1-related disorder. Also called: FN1-related condition.
Glomerulopathy with fibronectin deposits 2 (GFND2). Identifiers: Orphanet 84090, MedGen C1866075, MONDO:0011165, OMIM 601894.
Spondylometaphyseal dysplasia - Sutcliffe type. Also called: Sutcliffe type of spondylometaphyseal dysplasia; Sutcliffe SMD; Spondylometaphyseal dysplasia, 'corner fracture' type; Spondylometaphyseal Dysplasia, Corner Fracture Type. Identifiers: Orphanet 93315, MedGen C0432221, MONDO:0008479, OMIM 184255.

Allele frequency attached by ClinVar (database versions not stated): gnomAD exomes 0.00002 and 0.00016; ExAC 0.00004; TOPMed 0.00008; gnomAD 0.00009 and 0.00010; ESP Exome Variant Server 0.00015.
gnomAD v4.1: 235 of 1,613,874 alleles (0.015%); highest among the groups gnomAD compares: Non-Finnish European, 0.019%; no homozygotes.

Submissions (3):

Labcorp Genetics (formerly Invitae), Labcorp
Classification: Uncertain significance. Last evaluated: 2024-12-20. Review status: criteria provided, single submitter. Criteria: Invitae Variant Classification Sherloc (09022015). Collection method: clinical testing. Allele origin: germline.
Comment: This sequence change replaces asparagine, which is neutral and polar, with serine, which is neutral and polar, at codon 1007 of the FN1 protein (p.Asn1007Ser). This variant is present in population databases (rs145838840, gnomAD 0.006%). This variant has not been reported in the literature in individuals affected with FN1-related conditions. ClinVar contains an entry for this variant (Variation ID: 1047503). An algorithm developed to predict the effect of missense changes on protein structure and function (PolyPhen-2) suggests that this variant is likely to be tolerated. In summary, the available evidence is currently insufficient to determine the role of this variant in disease. Therefore, it has been classified as a Variant of Uncertain Significance.

Fulgent Genetics
Classification: Uncertain significance for Spondylometaphyseal dysplasia - Sutcliffe type; Glomerulopathy with fibronectin deposits 2. Last evaluated: 2022-03-03. Review status: criteria provided, single submitter. Criteria: ACMG Guidelines, 2015. Collection method: clinical testing. Allele origin: unknown.

PreventionGenetics, part of Exact Sciences
Classification: Uncertain significance for FN1-related condition. Last evaluated: 2024-03-06. Review status: no assertion criteria provided. Collection method: clinical testing. Allele origin: germline. Not counted in ClinVar's aggregate classification.
Comment: The FN1 c.3020A>G variant is predicted to result in the amino acid substitution p.Asn1007Ser. To our knowledge, this variant has not been reported in the literature. This variant is reported in 0.0046% of alleles in individuals of European (Non-Finnish) descent in gnomAD. At this time, the clinical significance of this variant is uncertain due to the absence of conclusive functional and genetic evidence.

NM_212482.4(FN1):c.3020A>G (p.Asn1007Ser)

Gene: FN1 (fibronectin 1; minus strand). Cytogenetic location: 2q35.
Variant type: single nucleotide variant.
Coding change: c.3020A>G on transcript NM_212482.4 (MANE Select); coding-DNA position 3020, A replaced by G.
Protein change: p.Asn1007Ser; replaces asparagine 1007 with serine.
Molecular consequence: missense variant.
Genome position (GRCh38, 1-based): chr2:215,404,622, T>C on the plus strand (A>G on the coding strand, the complement: FN1 is on the minus strand). VCF-style: chr2-215404622-T-C. GRCh37 (hg19) VCF-style: chr2-216269345-T-C.
Other names: c.3020A>G, p.Asn1007Ser (NM_002026.4, NM_212474.3, NM_212476.3 and 13 more transcripts); c.3020A>G (NM_212482.2); short protein forms N1007S.
Identifiers: ClinVar variation 1047503 (VCV001047503.12), dbSNP rs145838840, ClinGen allele CA2094813.